The following is an entry in ClinVar:

ClinVar aggregate classification (germline): Pathogenic/Likely pathogenic. Review status: criteria provided, multiple submitters, no conflicts (2 of 4 stars). 2 submissions from 2 submitters: Pathogenic (1); Likely pathogenic (1). Last evaluated 2026-04-14.

Conditions:
Familial intrahepatic cholestasis. Identifiers: Orphanet 284385, MedGen CN296401, MONDO:0017290.
Low phospholipid associated cholelithiasis (GBD1). Also called: Gallstone cholecystitis; Gallbladder disease 1. Identifiers: Orphanet 69663, MedGen C2609268, MONDO:0010939, OMIM 600803.
Progressive familial intrahepatic cholestasis type 3. Also called: Low Gamma-GT Familial Intrahepatic Cholestasis; MDR3 DEFICIENCY. Identifiers: Orphanet 79305, MedGen C1865643, MONDO:0011214, OMIM 602347.

Submissions (2):

Genomenon, Inc
Classification: Likely pathogenic for Familial intrahepatic cholestasis; Low phospholipid associated cholelithiasis. Last evaluated: 2026-04-14. Review status: criteria provided, single submitter. Criteria: Genomenon Sequence Variant Interpretation Standards - Updated. Collection method: curation. Allele origin: germline. Affected: no.
Comment: ABCB4 p.Lys1026SerfsTer9 (c.3077del) is a frameshift variant that results in the production of a truncated protein which is predicted to undergo nonsense-mediated mRNA decay. This variant has been reported in the published literature (PMID:31319225). It is absent or not present at a significant frequency in gnomAD. In conclusion, we classify ABCB4 p.Lys1026SerfsTer9 (c.3077del) as a likely pathogenic variant.

Ege University Pediatric Genetics, Ege University
Classification: Pathogenic for Cholestasis, progressive familial intrahepatic 3. Last evaluated: 2019-05-15. Review status: criteria provided, single submitter. Criteria: ACMG Guidelines, 2015. Collection method: clinical testing. Allele origin: germline. Affected: yes.

Literature cited by the submitters: PubMed 31319225 (cited by Genomenon, Inc and Ege University Pediatric Genetics, Ege University).

NM_000443.4(ABCB4):c.3077del (p.Lys1026fs)

Gene: ABCB4 (ATP binding cassette subfamily B member 4; minus strand). Cytogenetic location: 7q21.12.
Variant type: Deletion.
Coding change: c.3077del on transcript NM_000443.4 (MANE Select); coding-DNA position 3077, one base deleted (A; older notation c.3077delA).
Protein change: p.Lys1026fs; shifts the reading frame from lysine 1026.
Molecular consequence: frameshift variant.
Genome position (GRCh38, 1-based): chr7:87,409,240, T deleted on the plus strand (A on the coding strand, the reverse complement: ABCB4 is on the minus strand); the first of 2 consecutive T bases (chr7:87,409,240-87,409,241); deleting either gives the same sequence. VCF-style (leftmost placement, unchanged base first): chr7-87409239-CT-C. GRCh37 (hg19) VCF-style: chr7-87038555-CT-C.
Other names: c.3077del, p.Lys1026fs (NM_018849.3); c.2936del, p.Lys979fs (NM_018850.3); short protein forms K979fs, K1026fs.
Identifiers: ClinVar variation 635317 (VCV000635317.2), dbSNP rs1584678508, ClinGen allele CA915944954.